The following is an entry in ClinVar:

ClinVar aggregate classification (germline): Benign. Review status: reviewed by expert panel (3 of 4 stars). 3 submissions from 3 submitters: Benign (1). 2 of the submissions do not count toward it. Last evaluated 2019-06-18.

Conditions:
Hereditary cancer-predisposing syndrome. Also called: Hereditary neoplastic syndrome; Neoplastic Syndromes, Hereditary; Tumor predisposition; Hereditary Cancer Syndrome. Identifiers: Orphanet 140162, MedGen C0027672, MeSH D009386, MONDO:0015356.
Hereditary breast ovarian cancer syndrome. Also called: Hereditary breast and ovarian cancer syndrome (HBOC); Breast and ovarian cancer; Hereditary breast and ovarian cancer syndrome; Hereditary breast and ovarian cancer; Hereditary breast and/or ovarian cancer syndrome; BRCA1- and BRCA2-Associated Hereditary Breast and Ovarian Cancer. Identifiers: Orphanet 145, MedGen C0677776, MeSH D061325, MONDO:0003582. Disease mechanism: loss of function.
Breast-ovarian cancer, familial, susceptibility to, 2 (BROVCA2). Also called: BRCA2 Hereditary Breast and Ovarian Cancer. Identifiers: Orphanet 145, MedGen C2675520, MONDO:0012933, OMIM 612555. Disease mechanism: loss of function.

Submissions (3):

Evidence-based Network for the Interpretation of Germline Mutant Alleles (ENIGMA)
Classification: Benign for Breast-ovarian cancer, familial, susceptibility to, 2. Last evaluated: 2019-06-18. Review status: reviewed by expert panel. Criteria: ENIGMA BRCA1/2 Classification Criteria (2017-06-29). Collection method: curation. Allele origin: germline.
Comment: IARC class based on posterior probability from multifactorial likelihood analysis, thresholds for class as per Plon et al. 2008 (PMID: 18951446). Class 1 based on posterior probability = 0.000315

Labcorp Genetics (formerly Invitae), Labcorp
Classification: Likely benign for Hereditary breast ovarian cancer syndrome. Last evaluated: 2026-01-31. Review status: criteria provided, single submitter. Criteria: Invitae Variant Classification Sherloc (09022015). Collection method: clinical testing. Allele origin: germline. Not counted in ClinVar's aggregate classification.

Ambry Genetics
Classification: Uncertain significance for Hereditary cancer-predisposing syndrome. Last evaluated: 2025-09-04. Review status: criteria provided, single submitter. Criteria: Ambry Variant Classification Scheme 2023. Collection method: clinical testing. Allele origin: germline. Not counted in ClinVar's aggregate classification.
Comment: The p.S599F variant (also known as c.1796C>T), located in coding exon 9 of the BRCA2 gene, results from a C to T substitution at nucleotide position 1796. The serine at codon 599 is replaced by phenylalanine, an amino acid with highly dissimilar properties. This amino acid position is not well conserved in available vertebrate species. In addition, this alteration is predicted to be tolerated by in silico analysis. Based on the available evidence, the clinical significance of this variant remains unclear.

Literature cited by the submitters: PubMed 31131967 (cited by Evidence-based Network for the Interpretation of Germline Mutant Alleles (ENIGMA) and Ambry Genetics); PubMed 23635950 (cited by Ambry Genetics).

NM_000059.4(BRCA2):c.1796C>T (p.Ser599Phe)

Gene: BRCA2 (BRCA2 DNA repair associated; plus strand). Cytogenetic location: 13q13.1.
Variant type: single nucleotide variant.
Coding change: c.1796C>T on transcript NM_000059.4 (MANE Select); coding-DNA position 1796, C replaced by T.
Protein change: p.Ser599Phe; replaces serine 599 with phenylalanine.
Molecular consequence: missense variant.
Genome position (GRCh38, 1-based): chr13:32,333,274, C>T. VCF-style: chr13-32333274-C-T. GRCh37 (hg19) VCF-style: chr13-32907411-C-T.
Other names: short protein forms S599F.
Identifiers: ClinVar variation 481597 (VCV000481597.21), dbSNP rs1046984, ClinGen allele CA247498249.